The following is an entry in ClinVar:

ClinVar aggregate classification (germline): Uncertain significance. Review status: criteria provided, multiple submitters, no conflicts (2 of 4 stars). 5 submissions from 5 submitters: Uncertain significance (5). Last evaluated 2025-11-16.

Conditions:
Hereditary cancer-predisposing syndrome. Also called: Neoplastic Syndromes, Hereditary; Hereditary Cancer Syndrome; Tumor predisposition; Hereditary neoplastic syndrome. Identifiers: Orphanet 140162, MedGen C0027672, MeSH D009386, MONDO:0015356.
Ataxia-telangiectasia syndrome (AT). Also called: Ataxia-telangiectasia, complementation group D; AT, COMPLEMENTATION GROUP C; Ataxia-telangiectasia; ATAXIA-TELANGIECTASIA, COMPLEMENTATION GROUP A; ATAXIA-TELANGIECTASIA, FRESNO VARIANT; Ataxia-telangiectasia, complementation group E. Identifiers: Orphanet 100, MedGen C0004135, MONDO:0008840, OMIM 208900.
Familial cancer of breast. Also called: BREAST CANCER, FAMILIAL; hereditary breast carcinoma; Hereditary breast cancer. Identifiers: Orphanet 227535, MedGen C0346153, MONDO:0016419, OMIM 114480. Disease mechanism: loss of function.

Allele frequency attached by ClinVar (database versions not stated): gnomAD exomes below 0.00001 and 0.00002; TOPMed 0.00001; ExAC 0.00002.
gnomAD v4.1: 6 of 1,613,820 alleles (0.00037%); highest among the groups gnomAD compares: East Asian, 0.013%; no homozygotes.

Submissions (5):

Labcorp Genetics (formerly Invitae), Labcorp
Classification: Uncertain significance for Ataxia-telangiectasia syndrome. Last evaluated: 2025-11-16. Review status: criteria provided, single submitter. Criteria: Invitae Variant Classification Sherloc (09022015). Collection method: clinical testing. Allele origin: germline.
Comment: This sequence change replaces lysine, which is basic and polar, with glutamic acid, which is acidic and polar, at codon 2933 of the ATM protein (p.Lys2933Glu). This variant is present in population databases (rs587779875, gnomAD 0.03%). This missense change has been observed in individual(s) with breast and/or ovarian cancer (PMID: 32068069). ClinVar contains an entry for this variant (Variation ID: 127464). Invitae Evidence Modeling of protein sequence and biophysical properties (such as structural, functional, and spatial information, amino acid conservation, physicochemical variation, residue mobility, and thermodynamic stability) has been performed for this missense variant. However, the output from this modeling did not meet the statistical confidence thresholds required to predict the impact of this variant on ATM protein function. In summary, the available evidence is currently insufficient to determine the role of this variant in disease. Therefore, it has been classified as a Variant of Uncertain Significance.

GeneDx
Classification: Uncertain significance. Last evaluated: 2024-05-14. Review status: criteria provided, single submitter. Criteria: GeneDx Variant Classification Process June 2021. Collection method: clinical testing. Allele origin: germline. Affected: yes.
Comment: In silico analysis supports that this missense variant has a deleterious effect on protein structure/function; This variant is associated with the following publications: (PMID: 23532176, 38003901, 32068069, 33471991, 35585550)

Ambry Genetics
Classification: Uncertain significance for Hereditary cancer-predisposing syndrome. Last evaluated: 2024-04-03. Review status: criteria provided, single submitter. Criteria: Ambry Variant Classification Scheme 2023. Collection method: clinical testing. Allele origin: germline.
Comment: The p.K2933E variant (also known as c.8797A>G), located in coding exon 60 of the ATM gene, results from an A to G substitution at nucleotide position 8797. The lysine at codon 2933 is replaced by glutamic acid, an amino acid with similar properties. This alteration was detected in a cohort of 151 patients diagnosed with epithelial breast cancer in the southernmost region of Thailand (Sukpan P et al. J Pers Med, 2023 Nov;13). This amino acid position is highly conserved in available vertebrate species. In addition, this alteration is predicted to be deleterious by in silico analysis. Based on the available evidence, the clinical significance of this variant remains unclear.

Department of Pathology and Laboratory Medicine, Sinai Health System
Classification: Uncertain significance for Familial cancer of breast. Last evaluated: 2024-01-04. Review status: criteria provided, single submitter. Criteria: ACMG Guidelines, 2015. Collection method: clinical testing. Allele origin: germline. Affected: yes.

Color Diagnostics, LLC DBA Color Health
Classification: Uncertain significance for Hereditary cancer-predisposing syndrome. Last evaluated: 2022-02-07. Review status: criteria provided, single submitter. Criteria: ACMG Guidelines, 2015. Collection method: clinical testing. Allele origin: germline.
Comment: This missense variant replaces lysine with glutamic acid at codon 2933 of the ATM protein. Computational prediction is inconclusive regarding the impact of this variant on protein structure and function (internally defined REVEL score threshold 0.5 < inconclusive < 0.7, PMID: 27666373). To our knowledge, functional studies have not been reported for this variant. In a large international case-control study, this variant was reported in 5/60461 breast cancer cases and 1/53460 controls (PMID: 33471991). In a separate study, this variant was identified in 3 individuals affected with breast and/or ovarian cancer (PMID: 32068069). This variant has been identified in 5/251412 chromosomes in the general population by the Genome Aggregation Database (gnomAD). The available evidence is insufficient to determine the role of this variant in disease conclusively. Therefore, this variant is classified as a Variant of Uncertain Significance.

Literature cited by the submitters: PubMed 32068069 (cited by Labcorp Genetics (formerly Invitae), Labcorp and Color Diagnostics, LLC DBA Color Health); PubMed 38003901 (cited by Ambry Genetics); PubMed 33471991 (cited by Department of Pathology and Laboratory Medicine, Sinai Health System and Color Diagnostics, LLC DBA Color Health).

NM_000051.4(ATM):c.8797A>G (p.Lys2933Glu)

Genes: ATM (ATM serine/threonine kinase; plus strand), C11orf65 (chromosome 11 open reading frame 65; minus strand). Cytogenetic location: 11q22.3.
Variant type: single nucleotide variant.
Coding change: c.8797A>G on transcript NM_000051.4 (MANE Select); coding-DNA position 8797, A replaced by G.
Protein change: p.Lys2933Glu; replaces lysine 2933 with glutamic acid.
Molecular consequence: missense variant. On other transcripts: intron variant (2).
Genome position (GRCh38, 1-based): chr11:108,354,821, A>G. VCF-style: chr11-108354821-A-G. GRCh37 (hg19) VCF-style: chr11-108225548-A-G.
Other names: p.K2933E:AAA>GAA; c.8797A>G, p.Lys2933Glu (NM_001351834.2); c.640+31099T>C (NM_001330368.2); c.695-19529T>C (NM_001351110.2); short protein forms K2933E.
Identifiers: ClinVar variation 127464 (VCV000127464.19), dbSNP rs587779875, ClinGen allele CA287030.